The following is an entry in ClinVar:

NM_005534.4(IFNGR2):c.127G>A (p.Ala43Thr)

Gene: IFNGR2 (interferon gamma receptor 2; plus strand). Cytogenetic location: 21q22.11.
Variant type: single nucleotide variant.
Coding change: c.127G>A on transcript NM_005534.4 (MANE Select); coding-DNA position 127, G replaced by A.
Protein change: p.Ala43Thr; replaces alanine 43 with threonine.
Molecular consequence: missense variant.
Genome position (GRCh38, 1-based): chr21:33,414,941, G>A. VCF-style: chr21-33414941-G-A. GRCh37 (hg19) VCF-style: chr21-34787248-G-A.
Other names: c.184G>A, p.Ala62Thr (NM_001329128.2); short protein forms A43T, A62T.
Identifiers: ClinVar variation 3017769 (VCV003017769.2), dbSNP rs75043502, ClinGen allele CA10006868.
Genomic context (GRCh38, chr21:33,414,941, plus strand): 5'-CCTCAAGACCCTCTTTCCCAGCTGCCCGCTCCTCAGCACCCGAAGATTCGCCTGTACAAC[G>A]CAGAGCAGGTCCTGAGTTGGGAGCCAGTGGCCCTGAGCAATAGCACGAGGCCTGTTGTCT-3'
Protein context (NP_005525.2, residues 33-53): PQHPKIRLYN[Ala43Thr]EQVLSWEPVA

ClinVar aggregate classification (germline): Uncertain significance (1 of 4 stars; one submission).

Conditions:
Immunodeficiency 28 (IMD28). Also called: IFNGR2 DEFICIENCY. Identifiers: Orphanet 319547, Orphanet 319574, MedGen C4013947, MONDO:0013953, OMIM 614889.

Allele frequency attached by ClinVar (database versions not stated): TOPMed 0.00003; ExAC 0.00007; gnomAD exomes 0.00014; 1000 Genomes Project 30x 0.00016; 1000 Genomes Project 0.00020.

Submission:

Labcorp Genetics (formerly Invitae), Labcorp
Classification: Uncertain significance for Immunodeficiency 28. Last evaluated: 2023-11-13. Review status: criteria provided, single submitter. Criteria: Invitae Variant Classification Sherloc (09022015). Collection method: clinical testing. Allele origin: germline.
Comment: This sequence change replaces alanine, which is neutral and non-polar, with threonine, which is neutral and polar, at codon 43 of the IFNGR2 protein (p.Ala43Thr). This variant is present in population databases (rs75043502, gnomAD 0.06%). This variant has not been reported in the literature in individuals affected with IFNGR2-related conditions. Advanced modeling of protein sequence and biophysical properties (such as structural, functional, and spatial information, amino acid conservation, physicochemical variation, residue mobility, and thermodynamic stability) performed at Invitae indicates that this missense variant is not expected to disrupt IFNGR2 protein function with a negative predictive value of 80%. In summary, the available evidence is currently insufficient to determine the role of this variant in disease. Therefore, it has been classified as a Variant of Uncertain Significance.